The following is an entry in ClinVar:

ClinVar aggregate classification (germline): Conflicting classifications of pathogenicity. Review status: criteria provided, conflicting classifications (1 of 4 stars). 3 submissions from 3 submitters: Uncertain significance (2); Benign (1). Last evaluated 2024-06-07.

Conditions:
Inborn genetic diseases. Identifiers: MedGen C0950123, MeSH D030342.

Allele frequency attached by ClinVar (database versions not stated): gnomAD exomes below 0.00001 and 0.00001; ExAC 0.00001; TOPMed 0.00004; gnomAD 0.00005 and 0.00006.
gnomAD v4.1: 12 of 1,612,844 alleles (0.00074%); highest among the groups gnomAD compares: African/African-American, 0.011%; no homozygotes.

Submissions (3):

Ambry Genetics
Classification: Uncertain significance for Inborn genetic diseases. Last evaluated: 2024-06-07. Review status: criteria provided, single submitter. Criteria: Ambry Variant Classification Scheme 2023. Collection method: clinical testing. Allele origin: germline.

Labcorp Genetics (formerly Invitae), Labcorp
Classification: Benign. Last evaluated: 2024-03-05. Review status: criteria provided, single submitter. Criteria: Invitae Variant Classification Sherloc (09022015). Collection method: clinical testing. Allele origin: germline.

Laboratory for Molecular Medicine, Mass General Brigham Personalized Medicine
Classification: Uncertain significance. Last evaluated: 2017-01-28. Review status: criteria provided, single submitter. Criteria: LMM Criteria. Collection method: clinical testing. Allele origin: germline. Observed: 1 variant allele.
Comment: Variant classified as Uncertain Significance - Favor Benign. The p.Met4534Val va riant in GPR98 has not been previously reported in individuals with hearing loss , but has been identified in 1/8888 African chromosomes by the Exome Aggregation Consortium (ExAC; dbSNP rs761667882). Although this variant has been seen in the general population, its frequency is not high enough to rule out a pathogenic role. Computational prediction tools and conserv ation analysis suggest that the p.Met4534Val variant may not impact the protein. Of note, the methionine (Met) at position 4534 is not conserved through species , with 1 mammal (goat) having a valine (Val). In summary, while the clinical sig nificance of the p.Met4534Val variant is uncertain, its presence in other specie s suggests that it is more likely to be benign.

NM_032119.4(ADGRV1):c.13600A>G (p.Met4534Val)

Gene: ADGRV1 (adhesion G protein-coupled receptor V1; plus strand). Cytogenetic location: 5q14.3.
Variant type: single nucleotide variant.
Coding change: c.13600A>G on transcript NM_032119.4 (MANE Select); coding-DNA position 13600, A replaced by G.
Protein change: p.Met4534Val; replaces methionine 4534 with valine.
Molecular consequence: missense variant. On other transcripts: non-coding transcript variant (1).
Genome position (GRCh38, 1-based): chr5:90,784,004, A>G. VCF-style: chr5-90784004-A-G. GRCh37 (hg19) VCF-style: chr5-90079821-A-G.
Other names: short protein forms M4534V.
Identifiers: ClinVar variation 505538 (VCV000505538.8), dbSNP rs761667882, ClinGen allele CA3341561.
Genomic context (GRCh38, chr5:90,784,004, plus strand): 5'-TTTGGAGTTATAAGGTTTCTCAATCAAAGCAAAATTTCTATTGCTAATCCCAATTCCACA[A>G]TGATTTTATCACTGGTGCTGGAGCGGACTGGAGGACTCTTGGGAGAGATTCAGGTAGATT-3'
Protein context (NP_115495.3, residues 4524-4544): KISIANPNST[Met4534Val]ILSLVLERTG